The following is an entry in ClinVar:

ClinVar aggregate classification (germline): Uncertain significance. Review status: criteria provided, multiple submitters, no conflicts (2 of 4 stars). 2 submissions from 2 submitters: Uncertain significance (2). Last evaluated 2025-11-08.

Allele frequency attached by ClinVar (database versions not stated): TOPMed 0.00002; gnomAD 0.00004 and 0.00005; gnomAD exomes 0.00010; ExAC 0.00012.
gnomAD v4.1: 88 of 1,613,308 alleles (0.0055%); highest among the groups gnomAD compares: South Asian, 0.061%; 1 homozygote.

Submissions (2):

Labcorp Genetics (formerly Invitae), Labcorp
Classification: Uncertain significance. Last evaluated: 2025-11-08. Review status: criteria provided, single submitter. Criteria: Invitae Variant Classification Sherloc (09022015). Collection method: clinical testing. Allele origin: germline.
Comment: This sequence change replaces arginine, which is basic and polar, with histidine, which is basic and polar, at codon 1473 of the SAMD9 protein (p.Arg1473His). This variant is present in population databases (rs766831754, gnomAD 0.05%). This variant has not been reported in the literature in individuals affected with SAMD9-related conditions. ClinVar contains an entry for this variant (Variation ID: 1358044). Invitae Evidence Modeling of protein sequence and biophysical properties (such as structural, functional, and spatial information, amino acid conservation, physicochemical variation, residue mobility, and thermodynamic stability) indicates that this missense variant is not expected to disrupt SAMD9 protein function with a negative predictive value of 95%. In summary, the available evidence is currently insufficient to determine the role of this variant in disease. Therefore, it has been classified as a Variant of Uncertain Significance.

GeneDx
Classification: Uncertain significance. Last evaluated: 2024-02-08. Review status: criteria provided, single submitter. Criteria: GeneDx Variant Classification Process June 2021. Collection method: clinical testing. Allele origin: germline. Affected: yes.
Comment: In silico analysis supports that this missense variant does not alter protein structure/function; Has not been previously published as pathogenic or benign to our knowledge

NM_017654.4(SAMD9):c.4418G>A (p.Arg1473His)

Gene: SAMD9 (sterile alpha motif domain containing 9; minus strand). Cytogenetic location: 7q21.2.
Variant type: single nucleotide variant.
Coding change: c.4418G>A on transcript NM_017654.4 (MANE Select); coding-DNA position 4418, G replaced by A.
Protein change: p.Arg1473His; replaces arginine 1473 with histidine.
Molecular consequence: missense variant.
Genome position (GRCh38, 1-based): chr7:93,101,680, C>T on the plus strand (G>A on the coding strand, the complement: SAMD9 is on the minus strand). VCF-style: chr7-93101680-C-T. GRCh37 (hg19) VCF-style: chr7-92730993-C-T.
Other names: c.4418G>A, p.Arg1473His (NM_001193307.2); c.4418G>A (NM_017654.3); short protein forms R1473H.
Identifiers: ClinVar variation 1358044 (VCV001358044.5), dbSNP rs766831754, ClinGen allele CA4342552.